The following is an entry in ClinVar:

NM_003482.4(KMT2D):c.7841C>G (p.Ser2614Trp)

Gene: KMT2D (lysine methyltransferase 2D; minus strand). Cytogenetic location: 12q13.12.
Variant type: single nucleotide variant.
Coding change: c.7841C>G on transcript NM_003482.4 (MANE Select); coding-DNA position 7841, C replaced by G.
Protein change: p.Ser2614Trp; replaces serine 2614 with tryptophan.
Molecular consequence: missense variant.
Genome position (GRCh38, 1-based): chr12:49,039,929, G>C on the plus strand (C>G on the coding strand, the complement: KMT2D is on the minus strand). VCF-style: chr12-49039929-G-C. GRCh37 (hg19) VCF-style: chr12-49433712-G-C.
Other names: short protein forms S2614W.
Identifiers: ClinVar variation 2506828 (VCV002506828.1), dbSNP rs376202668, ClinGen allele CA384746700.

ClinVar aggregate classification (germline): Uncertain significance (1 of 4 stars; one submission).

Submission:

GeneDx
Classification: Uncertain significance. Last evaluated: 2022-12-21. Review status: criteria provided, single submitter. Criteria: GeneDx Variant Classification Process June 2021. Collection method: clinical testing. Allele origin: germline. Affected: yes.
Comment: Not observed at significant frequency in large population cohorts (gnomAD); In silico analysis supports that this missense variant does not alter protein structure/function; Has not been previously published as pathogenic or benign to our knowledge